The following is an entry in ClinVar:

ClinVar aggregate classification (germline): Likely pathogenic (1 of 4 stars; one submission).

Conditions:
Hypertrophic cardiomyopathy 25 (CMH25). Also called: CARDIOMYOPATHY, FAMILIAL HYPERTROPHIC, 25. Identifiers: MedGen C4225408, MONDO:0011843, OMIM 607487.
Autosomal recessive limb-girdle muscular dystrophy type 2G (LGMDR7). Also called: Telethoninopathy; Limb-girdle muscular dystrophy, type 2G; MUSCULAR DYSTROPHY, LIMB-GIRDLE, AUTOSOMAL RECESSIVE 7. Identifiers: Orphanet 34514, MedGen C1866008, MONDO:0011170, OMIM 601954.

Submission:

Juno Genomics, Hangzhou Juno Genomics, Inc
Classification: Likely pathogenic for Hypertrophic cardiomyopathy 25; Autosomal recessive limb-girdle muscular dystrophy type 2G. Review status: criteria provided, single submitter. Criteria: ACMG Guidelines, 2015. Collection method: clinical testing. Allele origin: germline.
Comment: Null variant in a gene where loss of function (LOF) is a known mechanism of disease.;Absent from controls (or at extremely low frequency if recessive) in Genome Aggregation Database.

NM_003673.4(TCAP):c.46G>T (p.Glu16Ter)

Gene: TCAP (titin-cap; plus strand). Cytogenetic location: 17q12.
Variant type: single nucleotide variant.
Coding change: c.46G>T on transcript NM_003673.4 (MANE Select); coding-DNA position 46, G replaced by T.
Protein change: p.Glu16Ter; replaces glutamic acid 16 with a stop codon.
Molecular consequence: nonsense.
Genome position (GRCh38, 1-based): chr17:39,665,405, G>T. VCF-style: chr17-39665405-G-T. GRCh37 (hg19) VCF-style: chr17-37821658-G-T.
Other names: short protein forms E16*.
Identifiers: ClinVar variation 5005744 (VCV005005744.2).
Genomic context (GRCh38, chr17:39,665,405, plus strand): 5'-GAATGAGGAGTGATCATGGCTACCTCAGAGCTGAGCTGCGAGGTGTCGGAGGAGAACTGT[G>T]AGCGCCGGGAGGCCTTCTGGGCAGAATGGAAGGATCTGACACTGTCCACACGGCCCGAGG-3'